The following is an entry in ClinVar:

NM_014254.2(RXYLT1):c.-234A>C

Gene: RXYLT1 (ribitol xylosyltransferase 1; plus strand). Cytogenetic location: 12q14.2.
Variant type: single nucleotide variant.
Coding change: c.-234A>C on transcript NM_014254.2; 234 bases upstream of the start codon, A replaced by C.
Genome position (GRCh38, 1-based): chr12:63,779,727, A>C. VCF-style: chr12-63779727-A-C. GRCh37 (hg19) VCF-style: chr12-64173507-A-C.
Identifiers: ClinVar variation 679381 (VCV000679381.3), dbSNP rs193051805, ClinGen allele CA238222715.

ClinVar aggregate classification (germline): Likely benign (1 of 4 stars; one submission).

Allele frequency attached by ClinVar (database versions not stated): 1000 Genomes Project 0.01258; gnomAD 0.01348 and 0.01461; TOPMed 0.01520; 1000 Genomes Project 30x 0.01187.

Submission:

GeneDx
Classification: Likely benign. Last evaluated: 2018-06-16. Review status: criteria provided, single submitter. Criteria: GeneDx Variant Classification (06012015). Collection method: clinical testing. Allele origin: germline. Affected: yes.
Comment: This variant is considered likely benign or benign based on one or more of the following criteria: it is a conservative change, it occurs at a poorly conserved position in the protein, it is predicted to be benign by multiple in silico algorithms, and/or has population frequency not consistent with disease.